The following is an entry in ClinVar:

ClinVar aggregate classification (germline): Uncertain significance (1 of 4 stars; one submission).

Conditions:
Atelosteogenesis type I. Also called: SPONDYLOHUMEROFEMORAL HYPOPLASIA; Atelosteogenesis Type 1 (FLNB-AO1); GIANT CELL CHONDRODYSPLASIA. Identifiers: Orphanet 1190, MedGen C0265283, MONDO:0007167, OMIM 108720.

Allele frequency attached by ClinVar (database versions not stated): gnomAD exomes below 0.00001; TOPMed below 0.00001.
gnomAD v4.1: 2 of 1,614,220 alleles (0.00012%); highest among the groups gnomAD compares: Admixed American, 0.0017%; no homozygotes.

Submission:

Baylor Genetics
Classification: Uncertain significance for Atelosteogenesis type I. Last evaluated: 2018-04-20. Review status: criteria provided, single submitter. Criteria: ACMG Guidelines, 2015. Collection method: clinical testing. Allele origin: paternal. Affected: yes.
Comment: This variant was determined to be of uncertain significance according to ACMG Guidelines, 2015 [PMID:25741868].

NM_001457.4(FLNB):c.5524T>C (p.Phe1842Leu)

Gene: FLNB (filamin B; plus strand). Cytogenetic location: 3p14.3.
Variant type: single nucleotide variant.
Coding change: c.5524T>C on transcript NM_001457.4 (MANE Select); coding-DNA position 5524, T replaced by C.
Protein change: p.Phe1842Leu; replaces phenylalanine 1842 with leucine.
Molecular consequence: missense variant.
Genome position (GRCh38, 1-based): chr3:58,146,019, T>C. VCF-style: chr3-58146019-T-C. GRCh37 (hg19) VCF-style: chr3-58131746-T-C.
Other names: c.5617T>C, p.Phe1873Leu (NM_001164317.2); c.5491T>C, p.Phe1831Leu (NM_001164318.2); c.5452T>C, p.Phe1818Leu (NM_001164319.2); short protein forms F1818L, F1831L, F1842L, F1873L.
Identifiers: ClinVar variation 1031983 (VCV001031983.1), dbSNP rs1178860596, ClinGen allele CA353354759.